The following is an entry in ClinVar:

ClinVar aggregate classification (germline): Uncertain significance (1 of 4 stars; one submission).

Conditions:
Hereditary spastic paraplegia 2 (SPG2). Also called: Spastic Paraplegia 2 (SPG2); SPASTIC PARAPLEGIA 2, X-LINKED. Identifiers: Orphanet 99015, MedGen C0751604, MONDO:0010733, OMIM 312920.

Submission:

Labcorp Genetics (formerly Invitae), Labcorp
Classification: Uncertain significance for Hereditary spastic paraplegia 2. Last evaluated: 2024-01-25. Review status: criteria provided, single submitter. Criteria: Invitae Variant Classification Sherloc (09022015). Collection method: clinical testing. Allele origin: germline.
Comment: This sequence change replaces glutamine, which is neutral and polar, with proline, which is neutral and non-polar, at codon 69 of the PLP1 protein (p.Gln69Pro). This variant is not present in population databases (gnomAD no frequency). This variant has not been reported in the literature in individuals affected with PLP1-related conditions. Advanced modeling of protein sequence and biophysical properties (such as structural, functional, and spatial information, amino acid conservation, physicochemical variation, residue mobility, and thermodynamic stability) performed at Invitae indicates that this missense variant is expected to disrupt PLP1 protein function with a positive predictive value of 80%. In summary, the available evidence is currently insufficient to determine the role of this variant in disease. Therefore, it has been classified as a Variant of Uncertain Significance.

NM_000533.5(PLP1):c.206A>C (p.Gln69Pro)

Genes: PLP1 (proteolipid protein 1; plus strand), RAB9B (RAB9B, member RAS oncogene family; minus strand). Cytogenetic location: Xq22.2.
Variant type: single nucleotide variant.
Coding change: c.206A>C on transcript NM_000533.5 (MANE Select); coding-DNA position 206, A replaced by C.
Protein change: p.Gln69Pro; replaces glutamine 69 with proline.
Molecular consequence: missense variant.
Genome position (GRCh38, 1-based): chrX:103,786,479, A>C. VCF-style: chrX-103786479-A-C. GRCh37 (hg19) VCF-style: chrX-103041408-A-C.
Other names: c.206A>C, p.Gln69Pro (NM_001128834.3, NM_199478.3); c.41A>C, p.Gln14Pro (NM_001305004.1); short protein forms Q14P, Q69P.
Identifiers: ClinVar variation 2700545 (VCV002700545.3), dbSNP rs2522306651, ClinGen allele CA414102428.